The following is an entry in ClinVar:

ClinVar aggregate classification (germline): Likely benign. Review status: criteria provided, multiple submitters, no conflicts (2 of 4 stars). 2 submissions from 2 submitters: Likely benign (2). Last evaluated 2026-01-12.

Conditions:
Long QT syndrome (LQTS). Identifiers: MedGen C0023976, MeSH D008133, MONDO:0002442. Disease mechanism: loss of function. Inheritance: Various modes of inheritance.

Allele frequency attached by ClinVar (database versions not stated): TOPMed 0.00020; ESP Exome Variant Server 0.00023; 1000 Genomes Project 0.00040; 1000 Genomes Project 30x 0.00062; gnomAD exomes 0.00003 and 0.00009; ExAC 0.00018; gnomAD 0.00019 and 0.00020.
gnomAD v4.1: 74 of 1,610,680 alleles (0.0046%); highest among the groups gnomAD compares: African/African-American, 0.043%; no homozygotes.

Submissions (2):

Labcorp Genetics (formerly Invitae), Labcorp
Classification: Likely benign for Long QT syndrome. Last evaluated: 2026-01-12. Review status: criteria provided, single submitter. Criteria: Invitae Variant Classification Sherloc (09022015). Collection method: clinical testing. Allele origin: germline.

GeneDx
Classification: Likely benign. Last evaluated: 2018-05-29. Review status: criteria provided, single submitter. Criteria: GeneDx Variant Classification (06012015). Collection method: clinical testing. Allele origin: germline. Affected: yes.
Comment: This variant is considered likely benign or benign based on one or more of the following criteria: it is a conservative change, it occurs at a poorly conserved position in the protein, it is predicted to be benign by multiple in silico algorithms, and/or has population frequency not consistent with disease.

NM_003098.3(SNTA1):c.1080C>T (p.Tyr360=)

Gene: SNTA1 (syntrophin alpha 1; minus strand). Cytogenetic location: 20q11.21.
Variant type: single nucleotide variant.
Coding change: c.1080C>T on transcript NM_003098.3 (MANE Select); coding-DNA position 1080, C replaced by T.
Protein change: p.Tyr360=; no amino-acid change (tyrosine 360 retained).
Molecular consequence: synonymous variant.
Genome position (GRCh38, 1-based): chr20:33,410,292, G>A on the plus strand (C>T on the coding strand, the complement: SNTA1 is on the minus strand). VCF-style: chr20-33410292-G-A. GRCh37 (hg19) VCF-style: chr20-31998098-G-A.
Identifiers: ClinVar variation 669548 (VCV000669548.11), dbSNP rs141844806, ClinGen allele CA9817041.